The following is an entry in ClinVar:

ClinVar aggregate classification (germline): Uncertain significance (1 of 4 stars; one submission).

Conditions:
Alpha thalassemia-X-linked intellectual disability syndrome (ATRX). Also called: ALPHA-THALASSEMIA/MENTAL RETARDATION SYNDROME, X-LINKED; ATR, NONDELETION TYPE; ATR-X syndrome; Alpha thalassemia mental retardation syndrome, nondeletion type, X-linked; XLMR hypotonic face syndrome; X-linked alpha-thalassemia-mental retardation syndrome. Identifiers: Orphanet 847, MedGen C1845055, MONDO:0010519, OMIM 301040.

Submission:

Labcorp Genetics (formerly Invitae), Labcorp
Classification: Uncertain significance for Alpha thalassemia-X-linked intellectual disability syndrome. Last evaluated: 2024-05-06. Review status: criteria provided, single submitter. Criteria: Invitae Variant Classification Sherloc (09022015). Collection method: clinical testing. Allele origin: germline.
Comment: This sequence change replaces glutamine, which is neutral and polar, with arginine, which is basic and polar, at codon 1319 of the ATRX protein (p.Gln1319Arg). This variant is not present in population databases (gnomAD no frequency). This variant has not been reported in the literature in individuals affected with ATRX-related conditions. Advanced modeling of protein sequence and biophysical properties (such as structural, functional, and spatial information, amino acid conservation, physicochemical variation, residue mobility, and thermodynamic stability) performed at Invitae indicates that this missense variant is not expected to disrupt ATRX protein function with a negative predictive value of 95%. In summary, the available evidence is currently insufficient to determine the role of this variant in disease. Therefore, it has been classified as a Variant of Uncertain Significance.

NM_000489.6(ATRX):c.3956A>G (p.Gln1319Arg)

Gene: ATRX (ATRX chromatin remodeler; minus strand). Cytogenetic location: Xq21.1.
Variant type: single nucleotide variant.
Coding change: c.3956A>G on transcript NM_000489.6 (MANE Select); coding-DNA position 3956, A replaced by G.
Protein change: p.Gln1319Arg; replaces glutamine 1319 with arginine.
Molecular consequence: missense variant.
Genome position (GRCh38, 1-based): chrX:77,663,546, T>C on the plus strand (A>G on the coding strand, the complement: ATRX is on the minus strand). VCF-style: chrX-77663546-T-C. GRCh37 (hg19) VCF-style: chrX-76919035-T-C.
Other names: c.3842A>G, p.Gln1281Arg (NM_138270.5); short protein forms Q1281R, Q1319R.
Identifiers: ClinVar variation 3634989 (VCV003634989.2).